The following is an entry in ClinVar:

ClinVar aggregate classification (germline): Uncertain significance (1 of 4 stars; one submission).

Submission:

GeneDx
Classification: Uncertain significance. Last evaluated: 2019-06-18. Review status: criteria provided, single submitter. Criteria: GeneDx Variant Classification Process June 2021. Collection method: clinical testing. Allele origin: germline. Affected: yes.
Comment: Not observed in large population cohorts (Lek et al., 2016); Missense variants in this gene are often considered pathogenic (Stenson et al., 2014); In silico analysis, which includes protein predictors and evolutionary conservation, supports a deleterious effect; Has not been previously published as pathogenic or benign to our knowledge; This substitution is predicted to be in the cytoplasmic loop between the first and second homologous domains

NM_001165963.4(SCN1A):c.1606T>G (p.Phe536Val)

Gene: SCN1A (sodium voltage-gated channel alpha subunit 1; minus strand). Cytogenetic location: 2q24.3.
Variant type: single nucleotide variant.
Coding change: c.1606T>G on transcript NM_001165963.4 (MANE Select); coding-DNA position 1606, T replaced by G.
Protein change: p.Phe536Val; replaces phenylalanine 536 with valine.
Molecular consequence: missense variant. On other transcripts: 5 prime UTR variant (1), non-coding transcript variant (1).
Genome position (GRCh38, 1-based): chr2:166,045,099, A>C on the plus strand (T>G on the coding strand, the complement: SCN1A is on the minus strand). VCF-style: chr2-166045099-A-C. GRCh37 (hg19) VCF-style: chr2-166901609-A-C.
Other names: c.1606T>G, p.Phe536Val (NM_001165964.3, NM_001202435.3, NM_001353948.2 and 7 more transcripts); c.1603T>G, p.Phe535Val (NM_001353954.2, NM_001353955.2, NM_001353960.2); c.-820T>G (NM_001353961.2); short protein forms F535V, F536V.
Identifiers: ClinVar variation 1302164 (VCV001302164.2), dbSNP rs1254340060, ClinGen allele CA349069183.